The following is an entry in ClinVar:

NM_022124.6(CDH23):c.5149T>C (p.Cys1717Arg)

Gene: CDH23 (cadherin related 23; plus strand). Cytogenetic location: 10q22.1.
Variant type: single nucleotide variant.
Coding change: c.5149T>C on transcript NM_022124.6 (MANE Select); coding-DNA position 5149, T replaced by C.
Protein change: p.Cys1717Arg; replaces cysteine 1717 with arginine.
Molecular consequence: missense variant.
Genome position (GRCh38, 1-based): chr10:71,778,270, T>C. VCF-style: chr10-71778270-T-C. GRCh37 (hg19) VCF-style: chr10-73538027-T-C.
Other names: short protein forms C1717R.
Identifiers: ClinVar variation 996633 (VCV000996633.2), dbSNP rs552998089, ClinGen allele CA5545658.

ClinVar aggregate classification (germline): Likely pathogenic. Review status: criteria provided, single submitter (1 of 4 stars). 2 submissions from 2 submitters: Likely pathogenic (1). 1 of the submissions does not count toward it.

Conditions:
Hearing loss, autosomal recessive. Also called: Autosomal recessive nonsyndromic deafness; Nonsyndromic Hearing Loss, Recessive; Deafness, autosomal recessive; Rare autosomal recessive non-syndromic sensorineural deafness type DFNB. Identifiers: Orphanet 90635, Orphanet 90636, MedGen C1846647, MONDO:0019588, OMIM 607197.
Autosomal recessive nonsyndromic hearing loss 12. Also called: DEAFNESS, AUTOSOMAL RECESSIVE 12. Identifiers: Orphanet 90636, MedGen C1832394, MONDO:0011067, OMIM 601386.

gnomAD v4.1: 3 of 1,613,860 alleles (0.00019%); highest among the groups gnomAD compares: South Asian, 0.0033%; no homozygotes.

Submissions (2):

Genetics Research Center, University of Social Welfare and Rehabilitation Sciences
Classification: Likely pathogenic for Autosomal recessive nonsyndromic hearing loss 12. Review status: criteria provided, single submitter. Criteria: ACMG Guidelines, 2015. Collection method: research. Allele origin: germline. Affected: yes.
Comment: The variant is present in the gnomAD v2.1.1 dataset at a very low allele frequency (0.0004%) and has been previously reported in individual(s) affected with CDH23-related hearing loss (PMID:30303587).

University of Washington Center for Mendelian Genomics, University of Washington
Classification: Likely pathogenic for non-syndromic autosomal recessive hearing loss. Review status: no assertion criteria provided. Collection method: research. Allele origin: inherited. Affected: yes. Not counted in ClinVar's aggregate classification.

Literature cited by the submitters: PubMed 30303587 (cited by Genetics Research Center, University of Social Welfare and Rehabilitation Sciences and University of Washington Center for Mendelian Genomics, University of Washington).